The following is an entry in ClinVar:

ClinVar aggregate classification (germline): Pathogenic (1 of 4 stars; one submission).

Conditions:
Isolated microphthalmia 2. Identifiers: Orphanet 2542, MedGen C1864720, MONDO:0012409, OMIM 610093.

Submission:

Labcorp Genetics (formerly Invitae), Labcorp
Classification: Pathogenic for Isolated microphthalmia 2. Last evaluated: 2023-06-15. Review status: criteria provided, single submitter. Criteria: Invitae Variant Classification Sherloc (09022015). Collection method: clinical testing. Allele origin: germline.
Comment: This sequence change creates a premature translational stop signal (p.Tyr88*) in the VSX2 gene. It is expected to result in an absent or disrupted protein product. Loss-of-function variants in VSX2 are known to be pathogenic (PMID: 20414678). This variant is not present in population databases (gnomAD no frequency). This variant has not been reported in the literature in individuals affected with VSX2-related conditions. ClinVar contains an entry for this variant (Variation ID: 2017212). For these reasons, this variant has been classified as Pathogenic.

Literature cited by the submitters: PubMed 20414678.

NM_182894.3(VSX2):c.264C>G (p.Tyr88Ter)

Gene: VSX2 (visual system homeobox 2; plus strand). Cytogenetic location: 14q24.3.
Variant type: single nucleotide variant.
Coding change: c.264C>G on transcript NM_182894.3 (MANE Select); coding-DNA position 264, C replaced by G.
Protein change: p.Tyr88Ter; replaces tyrosine 88 with a stop codon.
Molecular consequence: nonsense.
Genome position (GRCh38, 1-based): chr14:74,239,825, C>G. VCF-style: chr14-74239825-C-G. GRCh37 (hg19) VCF-style: chr14-74706528-C-G.
Other names: short protein forms Y88*.
Identifiers: ClinVar variation 2017212 (VCV002017212.4), dbSNP rs2504945945, ClinGen allele CA390360517.